The following is an entry in ClinVar:

NM_133459.4(CCBE1):c.37_58del (p.Arg13fs)

Gene: CCBE1 (collagen and calcium binding EGF domains 1; minus strand). Cytogenetic location: 18q21.32.
Variant type: Deletion.
Coding change: c.37_58del on transcript NM_133459.4 (MANE Select); coding-DNA positions 37 to 58, 22 bases deleted (AGGGGCCAGCTGGGCAGGAGCC).
Protein change: p.Arg13fs; shifts the reading frame from arginine 13.
Molecular consequence: frameshift variant.
Genome position (GRCh38, 1-based): chr18:59,697,285-59,697,306, GGCTCCTGCCCAGCTGGCCCCT deleted on the plus strand (AGGGGCCAGCTGGGCAGGAGCC on the coding strand, the reverse complement: CCBE1 is on the minus strand); deleting any 22 consecutive bases within chr18:59,697,285-59,697,309 gives the same sequence; the c. name uses the placement nearest the transcript's 3' end. VCF-style (leftmost placement, unchanged base first): chr18-59697284-AGGCTCCTGCCCAGCTGGCCCCT-A. GRCh37 (hg19) VCF-style: chr18-57364516-AGGCTCCTGCCCAGCTGGCCCCT-A.
Other names: short protein forms R13fs.
Identifiers: ClinVar variation 2728703 (VCV002728703.3), dbSNP rs2511612946, ClinGen allele CA2697555562.

ClinVar aggregate classification (germline): Pathogenic (1 of 4 stars; one submission).

Submission:

Labcorp Genetics (formerly Invitae), Labcorp
Classification: Pathogenic. Last evaluated: 2023-05-26. Review status: criteria provided, single submitter. Criteria: Invitae Variant Classification Sherloc (09022015). Collection method: clinical testing. Allele origin: germline.
Comment: For these reasons, this variant has been classified as Pathogenic. This variant has not been reported in the literature in individuals affected with CCBE1-related conditions. This variant is not present in population databases (gnomAD no frequency). This sequence change creates a premature translational stop signal (p.Arg13Trpfs*41) in the CCBE1 gene. It is expected to result in an absent or disrupted protein product. Loss-of-function variants in CCBE1 are known to be pathogenic (PMID: 19935664, 21778431, 26686525).

Literature cited by the submitters: PubMed 19935664; PubMed 21778431; PubMed 26686525.